The following is an entry in ClinVar:

ClinVar aggregate classification (germline): Benign. Review status: criteria provided, multiple submitters, no conflicts (2 of 4 stars). 3 submissions from 3 submitters: Benign (3). Last evaluated 2024-07-15.

Allele frequency attached by ClinVar (database versions not stated): gnomAD 0.50189; ExAC 0.44803; 1000 Genomes Project 0.45687; TOPMed 0.51815; 1000 Genomes Project 30x 0.46768; ESP Exome Variant Server 0.53460.

Submissions (3):

Unidad de Genómica Garrahan, Hospital de Pediatría Garrahan
Classification: Benign. Last evaluated: 2024-07-15. Review status: criteria provided, single submitter. Criteria: ACMG Guidelines, 2015. Collection method: clinical testing. Allele origin: germline. Affected: no. Observed: 62 variant alleles.
Comment: This variant is classified as Benign based on local population frequency. This variant was detected in 67% of patients studied in a panel designed for Epileptic and Developmental Encephalopathy and Progressive Myoclonus Epilepsy. Number of patients: 62. Only high quality variants are reported.

GeneDx
Classification: Benign. Last evaluated: 2018-06-14. Review status: criteria provided, single submitter. Criteria: GeneDx Variant Classification (06012015). Collection method: clinical testing. Allele origin: germline. Affected: yes.
Comment: This variant is considered likely benign or benign based on one or more of the following criteria: it is a conservative change, it occurs at a poorly conserved position in the protein, it is predicted to be benign by multiple in silico algorithms, and/or has population frequency not consistent with disease.

Breakthrough Genomics
Classification: Benign. Review status: criteria provided, single submitter. Criteria: ACMG Guidelines, 2015. Collection method: not provided. Allele origin: germline. Inheritance: Autosomal recessive inheritance. Affected: yes.

NM_153033.5(KCTD7):c.314+51G>A

Gene: KCTD7 (potassium channel tetramerization domain containing 7; plus strand). Cytogenetic location: 7q11.21.
Variant type: single nucleotide variant.
Coding change: c.314+51G>A on transcript NM_153033.5 (MANE Select); 51 bases into the intron after coding-DNA position 314, G replaced by A.
Molecular consequence: intron variant.
Genome position (GRCh38, 1-based): chr7:66,633,495, G>A. VCF-style: chr7-66633495-G-A. GRCh37 (hg19) VCF-style: chr7-66098482-G-A.
Other names: c.314+51G>A (NM_001167961.2).
Identifiers: ClinVar variation 670664 (VCV000670664.4), dbSNP rs3764903, ClinGen allele CA4278228.